The following is an entry in ClinVar:

NM_001130438.3(SPTAN1):c.6892C>G (p.Gln2298Glu)

Gene: SPTAN1 (spectrin alpha, non-erythrocytic 1; plus strand). Cytogenetic location: 9q34.11.
Variant type: single nucleotide variant.
Coding change: c.6892C>G on transcript NM_001130438.3 (MANE Select); coding-DNA position 6892, C replaced by G.
Protein change: p.Gln2298Glu; replaces glutamine 2298 with glutamic acid.
Molecular consequence: missense variant.
Genome position (GRCh38, 1-based): chr9:128,632,256, C>G. VCF-style: chr9-128632256-C-G. GRCh37 (hg19) VCF-style: chr9-131394535-C-G.
Other names: c.6817C>G, p.Gln2273Glu (NM_001195532.2); c.6955C>G, p.Gln2319Glu (NM_001363759.2); c.6832C>G, p.Gln2278Glu (NM_001363765.2, NM_001375314.2); c.6979C>G, p.Gln2327Glu (NM_001375310.1); c.6892C>G, p.Gln2298Glu (NM_001375311.2); c.6928C>G, p.Gln2310Glu (NM_001375312.2); c.6874C>G, p.Gln2292Glu (NM_001375313.1); c.6991C>G, p.Gln2331Glu (NM_001375318.1); and 2 more; short protein forms Q2273E, Q2278E, Q2292E, Q2293E, Q2298E, Q2310E, Q2319E, Q2327E.
Identifiers: ClinVar variation 1718775 (VCV001718775.6), dbSNP rs2542380176, ClinGen allele CA375098464.

ClinVar aggregate classification (germline): Uncertain significance. Review status: criteria provided, multiple submitters, no conflicts (2 of 4 stars). 2 submissions from 2 submitters: Uncertain significance (2). Last evaluated 2026-04-23.

Conditions:
Early-infantile DEE. Also called: Early infantile epileptic encephalopathy with suppression bursts; Early infantile epileptic encephalopathy; Ohtahara syndrome. Identifiers: Orphanet 1934, MedGen C0393706, MONDO:0800491.

Submissions (2):

GeneDx
Classification: Uncertain significance. Last evaluated: 2026-04-23. Review status: criteria provided, single submitter. Criteria: GeneDx Variant Classification Process June 2021. Collection method: clinical testing. Allele origin: germline.
Comment: Not observed at significant frequency in large population cohorts (gnomAD); In silico analysis suggests that this missense variant does not alter protein structure/function; Has not been previously published as pathogenic or benign to our knowledge

Labcorp Genetics (formerly Invitae), Labcorp
Classification: Uncertain significance for Early-infantile DEE. Last evaluated: 2022-09-03. Review status: criteria provided, single submitter. Criteria: Invitae Variant Classification Sherloc (09022015). Collection method: clinical testing. Allele origin: germline.
Comment: This variant has not been reported in the literature in individuals affected with SPTAN1-related conditions. This variant is not present in population databases (gnomAD no frequency). This sequence change replaces glutamine, which is neutral and polar, with glutamic acid, which is acidic and polar, at codon 2298 of the SPTAN1 protein (p.Gln2298Glu). Algorithms developed to predict the effect of missense changes on protein structure and function (SIFT, PolyPhen-2, Align-GVGD) all suggest that this variant is likely to be tolerated. In summary, the available evidence is currently insufficient to determine the role of this variant in disease. Therefore, it has been classified as a Variant of Uncertain Significance.